The following is an entry in ClinVar:

ClinVar aggregate classification (germline): Uncertain significance (1 of 4 stars; one submission).

gnomAD v4.1: 1 of 1,613,890 alleles (0.000062%); highest among the groups gnomAD compares: African/African-American, 0.0013%; no homozygotes.

Submission:

GeneDx
Classification: Uncertain significance. Last evaluated: 2024-02-20. Review status: criteria provided, single submitter. Criteria: GeneDx Variant Classification Process June 2021. Collection method: clinical testing. Allele origin: germline. Affected: yes.
Comment: Not observed at significant frequency in large population cohorts (gnomAD); In silico analysis supports that this missense variant has a deleterious effect on protein structure/function; Has not been previously published as pathogenic or benign to our knowledge

NM_001393769.1(MED12L):c.1877A>G (p.Asp626Gly)

Gene: MED12L (mediator complex subunit 12L; plus strand). Cytogenetic location: 3q25.1.
Variant type: single nucleotide variant.
Coding change: c.1877A>G on transcript NM_001393769.1 (MANE Select); coding-DNA position 1877, A replaced by G.
Protein change: p.Asp626Gly; replaces aspartic acid 626 with glycine.
Molecular consequence: missense variant.
Genome position (GRCh38, 1-based): chr3:151,190,840, A>G. VCF-style: chr3-151190840-A-G. GRCh37 (hg19) VCF-style: chr3-150908627-A-G.
Other names: c.1877A>G, p.Asp626Gly (NM_053002.6); short protein forms D626G.
Identifiers: ClinVar variation 3369260 (VCV003369260.1).